The following is an entry in ClinVar:

NM_052947.4(ALPK2):c.6332T>C (p.Phe2111Ser)

Gene: ALPK2 (alpha kinase 2; minus strand). Cytogenetic location: 18q21.31.
Variant type: single nucleotide variant.
Coding change: c.6332T>C on transcript NM_052947.4 (MANE Select); coding-DNA position 6332, T replaced by C.
Protein change: p.Phe2111Ser; replaces phenylalanine 2111 with serine.
Molecular consequence: missense variant.
Genome position (GRCh38, 1-based): chr18:58,482,004, A>G on the plus strand (T>C on the coding strand, the complement: ALPK2 is on the minus strand). VCF-style: chr18-58482004-A-G. GRCh37 (hg19) VCF-style: chr18-56149236-A-G.
Other names: short protein forms F2111S.
Identifiers: ClinVar variation 3530773 (VCV003530773.1).
Genomic context (GRCh38, chr18:58,482,004, plus strand): 5'-TTCAGTCCCAGCATTTTGCAATACTTGTTACACTGGTGTAGTGCTTTAAACTGATCAATG[A>G]AGGTCATGGAACAGTTGCCTTTAAATCCCTTGTACCTGTGAGTTTGGGTGGAAGGAAACA-3'
Protein context (NP_443179.3, residues 2101-2121): KGFKGNCSMT[Phe2111Ser]IDQFKALHQC

ClinVar aggregate classification (germline): Uncertain significance (1 of 4 stars; one submission).

gnomAD v4.1: 1 of 1,614,170 alleles (0.000062%); highest among the groups gnomAD compares: Non-Finnish European, 0.000085%; no homozygotes.

Submission:

Ambry Genetics
Classification: Uncertain significance. Last evaluated: 2024-07-14. Review status: criteria provided, single submitter. Criteria: Ambry Variant Classification Scheme 2023. Collection method: clinical testing. Allele origin: germline.
Comment: The p.F2111S variant (also known as c.6332T>C), located in coding exon 12 of the ALPK2 gene, results from a T to C substitution at nucleotide position 6332. The phenylalanine at codon 2111 is replaced by serine, an amino acid with highly dissimilar properties. This amino acid position is conserved. In addition, the in silico prediction for this alteration is inconclusive. Based on the available evidence, the clinical significance of this variant remains unclear.